The following is an entry in ClinVar:

ClinVar aggregate classification (germline): Uncertain significance (1 of 4 stars; one submission).

Submission:

GeneDx
Classification: Uncertain significance. Last evaluated: 2023-08-14. Review status: criteria provided, single submitter. Criteria: GeneDx Variant Classification Process June 2021. Collection method: clinical testing. Allele origin: germline.
Comment: Not observed at significant frequency in large population cohorts (gnomAD); In silico analysis supports that this missense variant does not alter protein structure/function; Has not been previously published as pathogenic or benign to our knowledge

NM_001375524.1(TRRAP):c.3092T>C (p.Ile1031Thr)

Gene: TRRAP (transformation/transcription domain associated protein; plus strand). Cytogenetic location: 7q22.1.
Variant type: single nucleotide variant.
Coding change: c.3092T>C on transcript NM_001375524.1 (MANE Select); coding-DNA position 3092, T replaced by C.
Protein change: p.Ile1031Thr; replaces isoleucine 1031 with threonine.
Molecular consequence: missense variant.
Genome position (GRCh38, 1-based): chr7:98,927,283, T>C. VCF-style: chr7-98927283-T-C. GRCh37 (hg19) VCF-style: chr7-98524906-T-C.
Other names: c.3092T>C, p.Ile1031Thr (NM_001244580.2, NM_003496.4); short protein forms I1031T.
Identifiers: ClinVar variation 2430984 (VCV002430984.2), dbSNP rs2484765951, ClinGen allele CA368297279.